The following is an entry in ClinVar:

NM_002577.4(PAK2):c.935+1G>T

Gene: PAK2 (p21 (RAC1) activated kinase 2; plus strand). Cytogenetic location: 3q29.
Variant type: single nucleotide variant.
Coding change: c.935+1G>T on transcript NM_002577.4 (MANE Select); the canonical splice donor site of the intron after coding-DNA position 935, G replaced by T.
Molecular consequence: splice donor variant.
Genome position (GRCh38, 1-based): chr3:196,812,852, G>T. VCF-style: chr3-196812852-G-T. GRCh37 (hg19) VCF-style: chr3-196539723-G-T.
Identifiers: ClinVar variation 3030313 (VCV003030313.2), dbSNP rs746576403, ClinGen allele CA355639581.

ClinVar aggregate classification (germline): Uncertain significance (0 of 4 stars; one submission).

Conditions:
PAK2-related disorder. Also called: PAK2-related condition.

Submission:

PreventionGenetics, part of Exact Sciences
Classification: Uncertain significance for PAK2-related condition. Last evaluated: 2023-11-22. Review status: no assertion criteria provided. Collection method: clinical testing. Allele origin: germline.
Comment: The PAK2 c.935+1G>T variant is predicted to disrupt the GT donor site and interfere with normal splicing. To our knowledge, this variant has not been reported in the literature or in a large population database, indicating this variant is rare. Loss of function is not an established mechanism of PAK2-associated disease. At this time, the clinical significance of this variant is uncertain due to the absence of conclusive functional and genetic evidence.